The following is an entry in ClinVar:

ClinVar aggregate classification (germline): Benign (1 of 4 stars; one submission).

Allele frequency attached by ClinVar (database versions not stated): 1000 Genomes Project 0.60244; 1000 Genomes Project 30x 0.60353; TOPMed 0.65049; gnomAD 0.66311 and 0.66482.
gnomAD v4.1: 100,575 of 151,520 alleles (66%); highest among the groups gnomAD compares: Non-Finnish European, 73%; 33,810 homozygotes.

Submission:

GeneDx
Classification: Benign. Last evaluated: 2018-06-18. Review status: criteria provided, single submitter. Criteria: GeneDx Variant Classification (06012015). Collection method: clinical testing. Allele origin: germline. Affected: yes.
Comment: This variant is considered likely benign or benign based on one or more of the following criteria: it is a conservative change, it occurs at a poorly conserved position in the protein, it is predicted to be benign by multiple in silico algorithms, and/or has population frequency not consistent with disease.

NM_002230.4(JUP):c.1158+344A>G

Gene: JUP (junction plakoglobin; minus strand). Cytogenetic location: 17q21.2.
Variant type: single nucleotide variant.
Coding change: c.1158+344A>G on transcript NM_002230.4 (MANE Select); 344 bases into the intron after coding-DNA position 1158, A replaced by G.
Molecular consequence: intron variant.
Genome position (GRCh38, 1-based): chr17:41,764,369, T>C on the plus strand (A>G on the coding strand, the complement: JUP is on the minus strand). VCF-style: chr17-41764369-T-C. GRCh37 (hg19) VCF-style: chr17-39920621-T-C.
Other names: c.1158+344A>G (NM_001352774.2, NM_021991.4, NM_001352776.2 and 3 more transcripts).
Identifiers: ClinVar variation 668841 (VCV000668841.1), dbSNP rs8081732, ClinGen allele CA14401998.